The following is an entry in ClinVar:

NM_001193315.2(VIPAS39):c.1288del (p.Leu430fs)

Gene: VIPAS39 (VPS33B interacting protein, apical-basolateral polarity regulator, spe-39 homolog; minus strand). Cytogenetic location: 14q24.3.
Variant type: Deletion.
Coding change: c.1288del on transcript NM_001193315.2 (MANE Select); coding-DNA position 1288, one base deleted (C; older notation c.1288delC).
Protein change: p.Leu430fs; shifts the reading frame from leucine 430.
Molecular consequence: frameshift variant. On other transcripts: non-coding transcript variant (1).
Genome position (GRCh38, 1-based): chr14:77,429,074, G deleted on the plus strand (C on the coding strand, the reverse complement: VIPAS39 is on the minus strand). VCF-style (leftmost placement, unchanged base first): chr14-77429073-AG-A. GRCh37 (hg19) VCF-style: chr14-77895416-AG-A.
Other names: c.1288del, p.Leu430fs (NM_001193314.2, NM_001193317.2, NM_001400326.1 and 2 more transcripts); c.1141del, p.Leu381fs (NM_001193316.2, NM_001400324.1, NM_001400325.1); c.1255del, p.Leu419fs (NM_001400327.1); c.1201del, p.Leu401fs (NM_001400330.1, NM_001400331.1, NM_001400332.1); c.1195del, p.Leu399fs (NM_001400333.1, NM_001400334.1); c.1153del, p.Leu385fs (NM_001400336.1); c.1048del, p.Leu350fs (NM_001400337.1); c.1009del, p.Leu337fs (NM_001400338.1); and 1 more; short protein forms L335fs, L337fs, L350fs, L381fs, L385fs, L399fs, L401fs, L419fs.
Identifiers: ClinVar variation 5010237 (VCV005010237.1).

ClinVar aggregate classification (germline): Likely pathogenic (1 of 4 stars; one submission).

Submission:

Genetic Services Laboratory, University of Chicago
Classification: Likely pathogenic. Last evaluated: 2025-04-15. Review status: criteria provided, single submitter. Criteria: ACMG Guidelines, 2015. Collection method: clinical testing. Allele origin: germline.
Comment: Is a single base pair deletion in exon 19. Results in an amino acid frameshift and creates a premature stop codon 8 amino acids downstream of the change, p.Leu430Trpfs*9. Predicted to result in an abnormal transcript, which may be degraded, or may lead to the production of a truncated VIPAS39 protein with potentially abnormal function but functional studies have not been performed to prove this conclusively. Has not been described in the literature in individuals with VIPAS39- related disorders. However, other truncating variants have been described in individuals with VIPAS39 -related disorders (PMID: 20190753, 22753090). Has not been described in population databases such as gnomAD v4. Collectively this evidence indicates that this variant is pathogenic; however functional studies have not been performed to prove this conclusively.